The following is an entry in ClinVar:

NM_000539.3(RHO):c.284T>C (p.Leu95Pro)

Gene: RHO (rhodopsin; plus strand). Cytogenetic location: 3q22.1.
Variant type: single nucleotide variant.
Coding change: c.284T>C on transcript NM_000539.3 (MANE Select); coding-DNA position 284, T replaced by C.
Protein change: p.Leu95Pro; replaces leucine 95 with proline.
Molecular consequence: missense variant.
Genome position (GRCh38, 1-based): chr3:129,529,017, T>C. VCF-style: chr3-129529017-T-C. GRCh37 (hg19) VCF-style: chr3-129247860-T-C.
Other names: short protein forms L95P.
Identifiers: ClinVar variation 984778 (VCV000984778.14), dbSNP rs2084758666, ClinGen allele CA354496712.

ClinVar aggregate classification (germline): Conflicting classifications of pathogenicity. Review status: criteria provided, conflicting classifications (1 of 4 stars). 5 submissions from 5 submitters: Likely pathogenic (4); Uncertain significance (1). Last evaluated 2024-04-30.

Conditions:
RHO-related disorder. Also called: RHO-related condition.
Retinal dystrophy. Also called: Inherited retinal dystrophy. Identifiers: Orphanet 71862, MedGen C0854723, MeSH D058499, MONDO:0019118, HP:0000556.
Retinitis pigmentosa 4 (RP4). Also called: RETINITIS PIGMENTOSA, RHODOPSIN-RELATED. Identifiers: Orphanet 791, MedGen C3151001, MONDO:0013395, OMIM 613731.

Submissions (5):

Blueprint Genetics
Classification: Likely pathogenic for RHO-related disorders. Last evaluated: 2024-04-30. Review status: criteria provided, single submitter. Criteria: ACMG Guidelines, 2015. Collection method: clinical testing. Allele origin: germline. Affected: yes. Observed: 1 variant allele.

Institute of Human Genetics, Univ. Regensburg, Univ. Regensburg
Classification: Likely pathogenic for Retinal dystrophy. Last evaluated: 2022-01-01. Review status: criteria provided, single submitter. Criteria: ACMG Guidelines, 2015. Collection method: clinical testing. Allele origin: germline. Affected: yes.

Centre of Medical Genetics, University Hospital Muenster
Classification: Likely pathogenic. Last evaluated: 2021-11-08. Review status: criteria provided, single submitter. Criteria: ACMG Guidelines, 2015. Collection method: clinical testing. Allele origin: unknown. Affected: yes. Observed: 1 variant allele, 1 heterozygote.
Comment: ACMG categories: PM1,PM2,PP3,PP4

Labcorp Genetics (formerly Invitae), Labcorp
Classification: Uncertain significance. Last evaluated: 2020-10-14. Review status: criteria provided, single submitter. Criteria: Invitae Variant Classification Sherloc (09022015). Collection method: clinical testing. Allele origin: germline.
Comment: In summary, the available evidence is currently insufficient to determine the role of this variant in disease. Therefore, it has been classified as a Variant of Uncertain Significance. Advanced modeling of protein sequence and biophysical properties (such as structural, functional, and spatial information, amino acid conservation, physicochemical variation, residue mobility, and thermodynamic stability) performed at Invitae indicates that this missense variant is not expected to disrupt RHO protein function. This variant has been observed in individual(s) with autosomal dominant retinitis pigmentosa (PMID: 30972525). This variant is not present in population databases (ExAC no frequency). This sequence change replaces leucine with proline at codon 95 of the RHO protein (p.Leu95Pro). The leucine residue is moderately conserved and there is a moderate physicochemical difference between leucine and proline.

Centre for Genomic Medicine, Manchester, Central Manchester University Hospitals
Classification: Likely pathogenic for Retinitis pigmentosa 4. Last evaluated: 2020-09-01. Review status: criteria provided, single submitter. Criteria: ACMG Guidelines, 2015. Collection method: clinical testing. Allele origin: germline. Affected: yes. Observed: 1 heterozygote.

Literature cited by the submitters: PubMed 30972525 (cited by Institute of Human Genetics, Univ. Regensburg, Univ. Regensburg and Labcorp Genetics (formerly Invitae), Labcorp); PubMed 34666717 (cited by Institute of Human Genetics, Univ. Regensburg, Univ. Regensburg); PubMed 36819107 (cited by Institute of Human Genetics, Univ. Regensburg, Univ. Regensburg).